The following is an entry in ClinVar:

NM_001735.3(C5):c.1413T>A (p.Asp471Glu)

Gene: C5 (complement C5; minus strand). Cytogenetic location: 9q33.2.
Variant type: single nucleotide variant.
Coding change: c.1413T>A on transcript NM_001735.3 (MANE Select); coding-DNA position 1413, T replaced by A.
Protein change: p.Asp471Glu; replaces aspartic acid 471 with glutamic acid.
Molecular consequence: missense variant.
Genome position (GRCh38, 1-based): chr9:121,020,069, A>T on the plus strand (T>A on the coding strand, the complement: C5 is on the minus strand). VCF-style: chr9-121020069-A-T. GRCh37 (hg19) VCF-style: chr9-123782347-A-T.
Other names: c.1431T>A, p.Asp477Glu (NM_001317163.2); c.1413T>A, p.Asp471Glu (NM_001317164.2); short protein forms D471E, D477E.
Identifiers: ClinVar variation 1976542 (VCV001976542.5), dbSNP rs201640401, ClinGen allele CA5218080.
Genomic context (GRCh38, chr9:121,020,069, plus strand): 5'-TGGGCTTTTGGGGGTAACAATAATATTCAGATGTTCTCCCACTAGCAAAGCCTTATGGTT[A>T]TCAGTCCAATCAATATAAAGGTAACTTTGGCTGAGAGATGAGTATGCTATTGCTCGGTAA-3'
Protein context (NP_001726.2, residues 461-481): SQSYLYIDWT[Asp471Glu]NHKALLVGEH

ClinVar aggregate classification (germline): Uncertain significance (1 of 4 stars; one submission).

Allele frequency attached by ClinVar (database versions not stated): gnomAD exomes below 0.00001; ExAC 0.00001; gnomAD 0.00001; TOPMed 0.00001; 1000 Genomes Project 30x 0.00016; 1000 Genomes Project 0.00020.
gnomAD v4.1: 2 of 1,613,212 alleles (0.00012%); highest among the groups gnomAD compares: Non-Finnish European, 0.00017%; no homozygotes.

Submission:

Labcorp Genetics (formerly Invitae), Labcorp
Classification: Uncertain significance. Last evaluated: 2022-03-23. Review status: criteria provided, single submitter. Criteria: Invitae Variant Classification Sherloc (09022015). Collection method: clinical testing. Allele origin: germline.
Comment: In summary, the available evidence is currently insufficient to determine the role of this variant in disease. Therefore, it has been classified as a Variant of Uncertain Significance. Algorithms developed to predict the effect of missense changes on protein structure and function output the following: SIFT: "Tolerated"; PolyPhen-2: "Benign"; Align-GVGD: "Class C0". The glutamic acid amino acid residue is found in multiple mammalian species, which suggests that this missense change does not adversely affect protein function. This variant has not been reported in the literature in individuals affected with C5-related conditions. This variant is present in population databases (rs201640401, gnomAD 0.002%). This sequence change replaces aspartic acid, which is acidic and polar, with glutamic acid, which is acidic and polar, at codon 471 of the C5 protein (p.Asp471Glu).